The following is an entry in ClinVar:

NM_000263.4(NAGLU):c.1335del (p.Glu446fs)

Gene: NAGLU (N-acetyl-alpha-glucosaminidase; plus strand). Cytogenetic location: 17q21.2.
Variant type: Deletion.
Coding change: c.1335del on transcript NM_000263.4 (MANE Select); coding-DNA position 1335, one base deleted (C; older notation c.1335delC).
Protein change: p.Glu446fs; shifts the reading frame from glutamic acid 446.
Molecular consequence: frameshift variant.
Genome position (GRCh38, 1-based): chr17:42,543,341, C deleted; the last of 5 consecutive C bases (chr17:42,543,337-42,543,341); deleting any one gives the same sequence. VCF-style (leftmost placement, unchanged base first): chr17-42543336-GC-G. GRCh37 (hg19) VCF-style: chr17-40695354-GC-G.
Other names: short protein forms E446fs.
Identifiers: ClinVar variation 3581961 (VCV003581961.2).

ClinVar aggregate classification (germline): Pathogenic/Likely pathogenic. Review status: criteria provided, multiple submitters, no conflicts (2 of 4 stars). 2 submissions from 2 submitters: Pathogenic (1); Likely pathogenic (1). Last evaluated 2026-01-21.

Conditions:
Mucopolysaccharidosis, MPS-III-B (MPS3B). Also called: Mucopolysaccharidosis type IIIB (Sanfilippo B); N-ACETYL-ALPHA-D-GLUCOSAMINIDASE DEFICIENCY; NAGLU DEFICIENCY; SANFILIPPO SYNDROME B; MPS III B; MPS IIIB (Sanfilippo Syndrome Type B). Identifiers: Orphanet 79270, MedGen C0086648, MONDO:0009656, OMIM 252920.
Charcot-Marie-Tooth disease axonal type 2V. Also called: CHARCOT-MARIE-TOOTH NEUROPATHY, TYPE 2V; CHARCOT-MARIE-TOOTH DISEASE, AXONAL, AUTOSOMAL DOMINANT, TYPE 2V. Identifiers: Orphanet 447964, MedGen C5569050, MONDO:0014665, OMIM 616491.

Submissions (2):

Myriad Genetics, Inc.
Classification: Pathogenic for Mucopolysaccharidosis, MPS-III-B. Last evaluated: 2026-01-21. Review status: criteria provided, single submitter. Criteria: Myriad Autosomal Dominant, Autosomal Recessive and X-Linked Classification Criteria (2023). Collection method: clinical testing. Allele origin: unknown.
Comment: NM_000263.3(NAGLU):c.1335delC(E446Rfs*30) is a frameshift variant classified as pathogenic in the context of mucopolysaccharidosis type IIIB. E446Rfs*30 has been observed in a case with relevant disease (PMID: 9832037). Relevant functional assessments of this variant are not available in the literature. E446Rfs*30 has not been observed in referenced population frequency databases. In summary, NM_000263.3(NAGLU):c.1335delC(E446Rfs*30) is a frameshift variant in a gene where loss of function is a known mechanism of disease, is predicted to disrupt protein function, and has been observed more frequently in cases with the relevant disease than in healthy populations. Please note: this variant was assessed in the context of healthy population screening.

Fulgent Genetics
Classification: Likely pathogenic for Mucopolysaccharidosis, MPS-III-B; Charcot-Marie-Tooth disease axonal type 2V. Last evaluated: 2024-04-10. Review status: criteria provided, single submitter. Criteria: ACMG Guidelines, 2015. Collection method: clinical testing. Allele origin: germline.

Literature cited by the submitters: PubMed 9832037 (cited by Myriad Genetics, Inc.).